The following is an entry in ClinVar:

ClinVar aggregate classification (germline): Uncertain significance (1 of 4 stars; one submission).

Conditions:
Peroxisome biogenesis disorder, complementation group 7 (CG7). Also called: Peroxisome biogenesis disorder, complementation group B. Identifiers: MedGen C1864399.

Submission:

Labcorp Genetics (formerly Invitae), Labcorp
Classification: Uncertain significance for Peroxisome biogenesis disorder, complementation group 7. Last evaluated: 2025-04-14. Review status: criteria provided, single submitter. Criteria: Invitae Variant Classification Sherloc (09022015). Collection method: clinical testing. Allele origin: germline.
Comment: This sequence change replaces aspartic acid, which is acidic and polar, with histidine, which is basic and polar, at codon 120 of the PEX10 protein (p.Asp120His). This variant is not present in population databases (gnomAD no frequency). This variant has not been reported in the literature in individuals affected with PEX10-related conditions. ClinVar contains an entry for this variant (Variation ID: 1408947). An algorithm developed to predict the effect of missense changes on protein structure and function (PolyPhen-2) suggests that this variant is likely to be disruptive. In summary, the available evidence is currently insufficient to determine the role of this variant in disease. Therefore, it has been classified as a Variant of Uncertain Significance.

NM_002617.4(PEX10):c.358G>C (p.Asp120His)

Gene: PEX10 (peroxisomal biogenesis factor 10; minus strand). Cytogenetic location: 1p36.32.
Variant type: single nucleotide variant.
Coding change: c.358G>C on transcript NM_002617.4 (MANE Select); coding-DNA position 358, G replaced by C.
Protein change: p.Asp120His; replaces aspartic acid 120 with histidine.
Molecular consequence: missense variant. On other transcripts: 5 prime UTR variant (2), non-coding transcript variant (1).
Genome position (GRCh38, 1-based): chr1:2,408,694, C>G on the plus strand (G>C on the coding strand, the complement: PEX10 is on the minus strand). VCF-style: chr1-2408694-C-G. GRCh37 (hg19) VCF-style: chr1-2340133-C-G.
Other names: c.358G>C, p.Asp120His (NM_001374425.1, NM_153818.2); c.-75G>C (NM_001374426.1, NM_001374427.1); short protein forms D120H.
Identifiers: ClinVar variation 1408947 (VCV001408947.8), dbSNP rs2100429329, ClinGen allele CA337988344.
Genomic context (GRCh38, chr1:2,408,694, plus strand): 5'-CTGAGCAGCCACGCCCACCTGGCCCCAGGCTCCCCTGCAAGGGTCGCCCACTGTCGGGGT[C>G]AGCCTGCAGCTCCTGCTCCAGGGGGAGCAGGGCCTTGTCCAGCAGGTAGGGCAGGACGGC-3'
Protein context (NP_002608.1, residues 110-130): LLPLEQELQA[Asp120His]PDSGRPLQGS